The following is an entry in ClinVar:

ClinVar aggregate classification (germline): Likely benign (1 of 4 stars; one submission).

Allele frequency attached by ClinVar (database versions not stated): 1000 Genomes Project 30x 0.00094; 1000 Genomes Project 0.00100; TOPMed 0.00224; ESP Exome Variant Server 0.00377; gnomAD 0.00384; ExAC 0.00390; gnomAD exomes 0.00417.
gnomAD v4.1: 6,629 of 1,611,690 alleles (0.41%); highest among the groups gnomAD compares: Non-Finnish European, 0.44%; 31 homozygotes.

Submission:

CeGaT Center for Human Genetics Tuebingen
Classification: Likely benign. Last evaluated: 2023-03-01. Review status: criteria provided, single submitter. Criteria: CeGaT Center For Human Genetics Tuebingen Variant Classification Criteria Version 2. Collection method: clinical testing. Allele origin: germline. Affected: yes. Observed: 4 variant alleles.
Comment: SLC12A7: BP4, BP7, BS2

NM_006598.3(SLC12A7):c.762C>T (p.Tyr254=)

Gene: SLC12A7 (solute carrier family 12 member 7; minus strand). Cytogenetic location: 5p15.33.
Variant type: single nucleotide variant.
Coding change: c.762C>T on transcript NM_006598.3 (MANE Select); coding-DNA position 762, C replaced by T.
Protein change: p.Tyr254=; no amino-acid change (tyrosine 254 retained).
Molecular consequence: synonymous variant.
Genome position (GRCh38, 1-based): chr5:1,085,387, G>A on the plus strand (C>T on the coding strand, the complement: SLC12A7 is on the minus strand). VCF-style: chr5-1085387-G-A. GRCh37 (hg19) VCF-style: chr5-1085502-G-A.
Identifiers: ClinVar variation 2655268 (VCV002655268.24), dbSNP rs115061051, ClinGen allele CA3182151.